The following is an entry in ClinVar:

NM_198859.4(PRICKLE2):c.-252G>C

Gene: PRICKLE2 (prickle planar cell polarity protein 2; minus strand). Cytogenetic location: 3p14.1.
Variant type: single nucleotide variant.
Coding change: c.-252G>C on transcript NM_198859.4 (MANE Select); 252 bases upstream of the start codon, G replaced by C.
Molecular consequence: 5 prime UTR variant. On other transcripts: intron variant (1).
Genome position (GRCh38, 1-based): chr3:64,225,121, C>G on the plus strand (G>C on the coding strand, the complement: PRICKLE2 is on the minus strand). VCF-style: chr3-64225121-C-G. GRCh37 (hg19) VCF-style: chr3-64210797-C-G.
Other names: c.-40-26154G>C (NM_001370528.1).
Identifiers: ClinVar variation 346481 (VCV000346481.6), dbSNP rs142388795, ClinGen allele CA10616566.

ClinVar aggregate classification (germline): Likely benign. Review status: criteria provided, multiple submitters, no conflicts (2 of 4 stars). 2 submissions from 2 submitters: Likely benign (2). Last evaluated 2017-04-27.

Conditions:
Progressive myoclonic epilepsy. Also called: Progressive myoclonus epilepsy; Familial progressive myoclonic epilepsy; Myoclonus epilepsy; Myoclonic Epilepsies, Progressive. Identifiers: Orphanet 308, Orphanet 98261, MedGen C0751778, MONDO:0020074.

Allele frequency attached by ClinVar (database versions not stated): gnomAD 0.01230 and 0.01305; 1000 Genomes Project 30x 0.01249; TOPMed 0.01291; 1000 Genomes Project 0.01338; gnomAD exomes 0.01926.
gnomAD v4.1: 18,108 of 985,444 alleles (1.8%); highest among the groups gnomAD compares: South Asian, 3.9%; 185 homozygotes.

Submissions (2):

Illumina Laboratory Services, Illumina
Classification: Likely benign for Progressive myoclonic epilepsy. Last evaluated: 2017-04-27. Review status: criteria provided, single submitter. Criteria: ICSL Variant Classification Criteria 13 December 2019. Collection method: clinical testing. Allele origin: germline.
Comment: This variant was observed as part of a predisposition screen in an ostensibly healthy population. A literature search was performed for the gene, cDNA change, and amino acid change (where applicable). No publications were found based on this search. Allele frequency data from public databases allowed determination this variant is unlikely to cause disease. Therefore, this variant is classified as likely benign.

Breakthrough Genomics
Classification: Likely benign. Review status: criteria provided, single submitter. Criteria: ACMG Guidelines, 2015. Collection method: not provided. Allele origin: germline. Inheritance: Unknown mechanism. Affected: yes.